The following is an entry in ClinVar:

NM_006015.6(ARID1A):c.4440G>A (p.Met1480Ile)

Gene: ARID1A (AT-rich interaction domain 1A; plus strand). Cytogenetic location: 1p36.11.
Variant type: single nucleotide variant.
Coding change: c.4440G>A on transcript NM_006015.6 (MANE Select); coding-DNA position 4440, G replaced by A.
Protein change: p.Met1480Ile; replaces methionine 1480 with isoleucine.
Molecular consequence: missense variant. On other transcripts: intron variant (1).
Genome position (GRCh38, 1-based): chr1:26,774,667, G>A. VCF-style: chr1-26774667-G-A. GRCh37 (hg19) VCF-style: chr1-27101158-G-A.
Other names: c.4102-313G>A (NM_139135.4); short protein forms M1480I.
Identifiers: ClinVar variation 3784198 (VCV003784198.2).
Genomic context (GRCh38, chr1:26,774,667, plus strand): 5'-CCGAGACCGTGTCTCTGCACCCCCTGGCACCAATGCCCAGCAAAACATGCCACCACAAAT[G>A]ATGGGCGGCCCCATACAGGCATCAGCTGAGGTTGCTCAGCAAGGCACCATGTGGCAGGGG-3'
Protein context (NP_006006.3, residues 1470-1490): TNAQQNMPPQ[Met1480Ile]MGGPIQASAE

ClinVar aggregate classification (germline): Uncertain significance. Review status: criteria provided, multiple submitters, no conflicts (2 of 4 stars). 2 submissions from 2 submitters: Uncertain significance (2). Last evaluated 2025-12-09.

Conditions:
Inborn genetic diseases. Identifiers: MedGen C0950123, MeSH D030342.

Submissions (2):

Labcorp Genetics (formerly Invitae), Labcorp
Classification: Uncertain significance. Last evaluated: 2025-12-09. Review status: criteria provided, single submitter. Criteria: Invitae Variant Classification Sherloc (09022015). Collection method: clinical testing. Allele origin: germline.
Comment: This sequence change replaces methionine, which is neutral and non-polar, with isoleucine, which is neutral and non-polar, at codon 1480 of the ARID1A protein (p.Met1480Ile). This variant is present in population databases (rs764783001, gnomAD 0.0009%). This variant has not been reported in the literature in individuals affected with ARID1A-related conditions. ClinVar contains an entry for this variant (Variation ID: 3784198). Invitae Evidence Modeling of protein sequence and biophysical properties (such as structural, functional, and spatial information, amino acid conservation, physicochemical variation, residue mobility, and thermodynamic stability) indicates that this missense variant is expected to disrupt ARID1A protein function with a positive predictive value of 80%. In summary, the available evidence is currently insufficient to determine the role of this variant in disease. Therefore, it has been classified as a Variant of Uncertain Significance.

Ambry Genetics
Classification: Uncertain significance for Inborn genetic diseases. Last evaluated: 2025-03-10. Review status: criteria provided, single submitter. Criteria: Ambry Variant Classification Scheme 2023. Collection method: clinical testing. Allele origin: germline.